The following is an entry in ClinVar:

ClinVar aggregate classification (germline): Uncertain significance (1 of 4 stars; one submission).

Conditions:
Landau-Kleffner syndrome (FESD). Also called: APHASIA, ACQUIRED, WITH EPILEPSY; EPILEPSY, FOCAL, WITH SPEECH DISORDER AND WITH OR WITHOUT MENTAL RETARDATION. Identifiers: Orphanet 1945, Orphanet 725, Orphanet 98818, MedGen C0282512, MONDO:0009509, OMIM 245570.

Submission:

Labcorp Genetics (formerly Invitae), Labcorp
Classification: Uncertain significance for Landau-Kleffner syndrome. Last evaluated: 2024-07-15. Review status: criteria provided, single submitter. Criteria: Invitae Variant Classification Sherloc (09022015). Collection method: clinical testing. Allele origin: germline.
Comment: This sequence change falls in intron 9 of the GRIN2A gene. It does not directly change the encoded amino acid sequence of the GRIN2A protein. It affects a nucleotide within the consensus splice site. This variant is not present in population databases (gnomAD no frequency). This variant has not been reported in the literature in individuals affected with GRIN2A-related conditions. ClinVar contains an entry for this variant (Variation ID: 1415773). Variants that disrupt the consensus splice site are a relatively common cause of aberrant splicing (PMID: 17576681, 9536098). Algorithms developed to predict the effect of sequence changes on RNA splicing suggest that this variant may disrupt the consensus splice site. In summary, the available evidence is currently insufficient to determine the role of this variant in disease. Therefore, it has been classified as a Variant of Uncertain Significance.

Literature cited by the submitters: PubMed 17576681; PubMed 9536098.

NM_001134407.3(GRIN2A):c.1777+3A>T

Gene: GRIN2A (glutamate ionotropic receptor NMDA type subunit 2A; minus strand). Cytogenetic location: 16p13.2.
Variant type: single nucleotide variant.
Coding change: c.1777+3A>T on transcript NM_001134407.3 (MANE Select); 3 bases into the intron after coding-DNA position 1777, A replaced by T.
Molecular consequence: intron variant.
Genome position (GRCh38, 1-based): chr16:9,834,102, T>A on the plus strand (A>T on the coding strand, the complement: GRIN2A is on the minus strand). VCF-style: chr16-9834102-T-A. GRCh37 (hg19) VCF-style: chr16-9927959-T-A.
Other names: c.1777+3A>T (NM_001134408.2, NM_000833.5).
Identifiers: ClinVar variation 1415773 (VCV001415773.6), dbSNP rs2141325159, ClinGen allele CA2573152053.